The following is an entry in ClinVar:

NM_001256789.3(CACNA1F):c.3813+4G>A

Gene: CACNA1F (calcium voltage-gated channel subunit alpha1 F; minus strand). Cytogenetic location: Xp11.23.
Variant type: single nucleotide variant.
Coding change: c.3813+4G>A on transcript NM_001256789.3 (MANE Select); 4 bases into the intron after coding-DNA position 3813, G replaced by A.
Molecular consequence: intron variant.
Genome position (GRCh38, 1-based): chrX:49,212,970, C>T on the plus strand (G>A on the coding strand, the complement: CACNA1F is on the minus strand). VCF-style: chrX-49212970-C-T. GRCh37 (hg19) VCF-style: chrX-49069430-C-T.
Other names: c.3846+4G>A (NM_005183.4); c.3651+4G>A (NM_001256790.3).
Identifiers: ClinVar variation 1362873 (VCV001362873.6), dbSNP rs782197383, ClinGen allele CA2428538537.

ClinVar aggregate classification (germline): Uncertain significance (1 of 4 stars; one submission).

Allele frequency attached by ClinVar (database versions not stated): TOPMed below 0.00001.
gnomAD v4.1: 4 of 1,203,941 alleles (0.00033%); highest among the groups gnomAD compares: Non-Finnish European, 0.00045%; no homozygotes.

Submission:

Labcorp Genetics (formerly Invitae), Labcorp
Classification: Uncertain significance. Last evaluated: 2022-03-10. Review status: criteria provided, single submitter. Criteria: Invitae Variant Classification Sherloc (09022015). Collection method: clinical testing. Allele origin: germline.
Comment: This sequence change falls in intron 32 of the CACNA1F gene. It does not directly change the encoded amino acid sequence of the CACNA1F protein. It affects a nucleotide within the consensus splice site. In summary, the available evidence is currently insufficient to determine the role of this variant in disease. Therefore, it has been classified as a Variant of Uncertain Significance. Variants that disrupt the consensus splice site are a relatively common cause of aberrant splicing (PMID: 17576681, 9536098). Algorithms developed to predict the effect of sequence changes on RNA splicing suggest that this variant may create or strengthen a splice site. This variant has not been reported in the literature in individuals affected with CACNA1F-related conditions. This variant is not present in population databases (gnomAD no frequency).

Literature cited by the submitters: PubMed 17576681; PubMed 9536098.